The following is an entry in ClinVar:

ClinVar aggregate classification (germline): Uncertain significance (1 of 4 stars; one submission).

Conditions:
Episodic kinesigenic dyskinesia (EKD). Also called: Paroxysmal kinesigenic dyskinesia. Identifiers: Orphanet 98809, MedGen C1868682, MONDO:0044202.

Allele frequency attached by ClinVar (database versions not stated): gnomAD exomes below 0.00001.

Submission:

Labcorp Genetics (formerly Invitae), Labcorp
Classification: Uncertain significance for Episodic kinesigenic dyskinesia. Last evaluated: 2022-08-16. Review status: criteria provided, single submitter. Criteria: Invitae Variant Classification Sherloc (09022015). Collection method: clinical testing. Allele origin: germline.
Comment: In summary, the available evidence is currently insufficient to determine the role of this variant in disease. Therefore, it has been classified as a Variant of Uncertain Significance. Algorithms developed to predict the effect of missense changes on protein structure and function are either unavailable or do not agree on the potential impact of this missense change (SIFT: "Deleterious"; PolyPhen-2: "Possibly Damaging"; Align-GVGD: "Class C0"). ClinVar contains an entry for this variant (Variation ID: 1443592). This variant has not been reported in the literature in individuals affected with PRRT2-related conditions. This variant is not present in population databases (gnomAD no frequency). This sequence change replaces glycine, which is neutral and non-polar, with cysteine, which is neutral and slightly polar, at codon 26 of the PRRT2 protein (p.Gly26Cys).

NM_145239.3(PRRT2):c.76G>T (p.Gly26Cys)

Genes: MVP-DT (MVP divergent transcript; minus strand), PRRT2 (proline rich transmembrane protein 2; plus strand). Cytogenetic location: 16p11.2.
Variant type: single nucleotide variant.
Coding change: c.76G>T on transcript NM_145239.3 (MANE Select); coding-DNA position 76, G replaced by T.
Protein change: p.Gly26Cys; replaces glycine 26 with cysteine.
Molecular consequence: missense variant.
Genome position (GRCh38, 1-based): chr16:29,813,130, G>T. VCF-style: chr16-29813130-G-T. GRCh37 (hg19) VCF-style: chr16-29824451-G-T.
Other names: c.76G>T, p.Gly26Cys (NM_001256442.2, NM_001256443.2); short protein forms G26C.
Identifiers: ClinVar variation 1443592 (VCV001443592.6), dbSNP rs2142422369, ClinGen allele CA395477177.